The following is an entry in ClinVar:

NM_001267550.2(TTN):c.79043T>C (p.Val26348Ala)

Genes: TTN (titin; minus strand), TTN-AS1 (TTN antisense RNA 1; plus strand). Cytogenetic location: 2q31.2.
Variant type: single nucleotide variant.
Coding change: c.79043T>C on transcript NM_001267550.2 (MANE Select); coding-DNA position 79043, T replaced by C.
Protein change: p.Val26348Ala; replaces valine 26348 with alanine.
Molecular consequence: missense variant.
Genome position (GRCh38, 1-based): chr2:178,567,089, A>G on the plus strand (T>C on the coding strand, the complement: TTN is on the minus strand). VCF-style: chr2-178567089-A-G. GRCh37 (hg19) VCF-style: chr2-179431816-A-G.
Other names: p.Val24707Ala; c.74120T>C, p.Val24707Ala (NM_001256850.1); c.51848T>C, p.Val17283Ala (NM_003319.4); c.71339T>C, p.Val23780Ala (NM_133378.4); c.52223T>C, p.Val17408Ala (NM_133432.3); c.52424T>C, p.Val17475Ala (NM_133437.4); short protein forms V17283A, V17408A, V17475A, V23780A, V24707A, V26348A.
Identifiers: ClinVar variation 3380873 (VCV003380873.1).

ClinVar aggregate classification (germline): Uncertain significance (1 of 4 stars; one submission).

gnomAD v4.1: 3 of 1,613,568 alleles (0.00019%); highest among the groups gnomAD compares: Non-Finnish European, 0.00025%; no homozygotes.

Submission:

Mayo Clinic Laboratories, Mayo Clinic
Classification: Uncertain significance. Last evaluated: 2024-02-20. Review status: criteria provided, single submitter. Criteria: ACMG Guidelines, 2015. Collection method: clinical testing. Allele origin: germline. Observed: 1 variant allele.
Comment: PM2